The following is an entry in ClinVar:

NM_001114753.3(ENG):c.1711C>G (p.Arg571Gly)

Genes: ENG (endoglin; minus strand), LOC102723566 (uncharacterized LOC102723566; plus strand). Cytogenetic location: 9q34.11.
Variant type: single nucleotide variant.
Coding change: c.1711C>G on transcript NM_001114753.3 (MANE Select); coding-DNA position 1711, C replaced by G.
Protein change: p.Arg571Gly; replaces arginine 571 with glycine.
Molecular consequence: missense variant. On other transcripts: non-coding transcript variant (1).
Genome position (GRCh38, 1-based): chr9:127,817,179, G>C on the plus strand (C>G on the coding strand, the complement: ENG is on the minus strand). VCF-style: chr9-127817179-G-C. GRCh37 (hg19) VCF-style: chr9-130579458-G-C.
Other names: c.1711C>G, p.Arg571Gly (NM_000118.4); c.1165C>G, p.Arg389Gly (NM_001278138.2); short protein forms R389G, R571G.
Identifiers: ClinVar variation 3011098 (VCV003011098.3), dbSNP rs764262721, ClinGen allele CA374973586.

ClinVar aggregate classification (germline): Uncertain significance (1 of 4 stars; one submission).

Conditions:
Hereditary hemorrhagic telangiectasia (HHT). Also called: ORW DISEASE; Osler Weber Rendu syndrome; OSLER-RENDU-WEBER DISEASE; Osler hemorrhagic telangiectasia syndrome. Identifiers: Orphanet 774, MedGen C0039445, MONDO:0019180. Disease mechanism: loss of function.

Submission:

Labcorp Genetics (formerly Invitae), Labcorp
Classification: Uncertain significance for Hereditary hemorrhagic telangiectasia. Last evaluated: 2023-06-15. Review status: criteria provided, single submitter. Criteria: Invitae Variant Classification Sherloc (09022015). Collection method: clinical testing. Allele origin: germline.
Comment: In summary, the available evidence is currently insufficient to determine the role of this variant in disease. Therefore, it has been classified as a Variant of Uncertain Significance. Advanced modeling of protein sequence and biophysical properties (such as structural, functional, and spatial information, amino acid conservation, physicochemical variation, residue mobility, and thermodynamic stability) has been performed at Invitae for this missense variant, however the output from this modeling did not meet the statistical confidence thresholds required to predict the impact of this variant on ENG protein function. This variant has not been reported in the literature in individuals affected with ENG-related conditions. This variant is not present in population databases (gnomAD no frequency). This sequence change replaces arginine, which is basic and polar, with glycine, which is neutral and non-polar, at codon 571 of the ENG protein (p.Arg571Gly).